The following is an entry in ClinVar:

ClinVar aggregate classification (germline): Uncertain significance. Review status: criteria provided, multiple submitters, no conflicts (2 of 4 stars). 2 submissions from 2 submitters: Uncertain significance (2). Last evaluated 2024-11-12.

Conditions:
COL5A2-related disorder. Also called: COL5A2-related condition.

gnomAD v4.1: 1 of 1,613,298 alleles (0.000062%); highest among the groups gnomAD compares: Non-Finnish European, 0.000085%; no homozygotes.

Submissions (2):

PreventionGenetics, part of Exact Sciences
Classification: Uncertain significance for COL5A2-related condition. Last evaluated: 2024-11-12. Review status: criteria provided, single submitter. Criteria: ACMG Guidelines, 2015. Collection method: clinical testing. Allele origin: germline.
Comment: The COL5A2 c.308G>A variant is predicted to result in the amino acid substitution p.Gly103Asp. To our knowledge, this variant has not been reported in the literature or in a large population database (gnomAD), indicating this variant is rare. At this time, the clinical significance of this variant is uncertain due to the absence of conclusive functional and genetic evidence.

GeneDx
Classification: Uncertain significance. Last evaluated: 2024-06-11. Review status: criteria provided, single submitter. Criteria: GeneDx Variant Classification Process June 2021. Collection method: clinical testing. Allele origin: germline. Affected: yes.
Comment: Has not been previously published as pathogenic or benign to our knowledge; Not observed at significant frequency in large population cohorts (gnomAD); Not located in the triple helical region, where the majority of pathogenic missense variants occur (PMID: 22696272; HGMD); In silico analysis indicates that this missense variant does not alter protein structure/function; This variant is associated with the following publications: (PMID: 22696272)

NM_000393.5(COL5A2):c.308G>A (p.Gly103Asp)

Gene: COL5A2 (collagen type V alpha 2 chain; minus strand). Cytogenetic location: 2q32.2.
Variant type: single nucleotide variant.
Coding change: c.308G>A on transcript NM_000393.5 (MANE Select); coding-DNA position 308, G replaced by A.
Protein change: p.Gly103Asp; replaces glycine 103 with aspartic acid.
Molecular consequence: missense variant.
Genome position (GRCh38, 1-based): chr2:189,110,239, C>T on the plus strand (G>A on the coding strand, the complement: COL5A2 is on the minus strand). VCF-style: chr2-189110239-C-T. GRCh37 (hg19) VCF-style: chr2-189974965-C-T.
Other names: c.308G>A (NM_000393.4); short protein forms G103D.
Identifiers: ClinVar variation 3390822 (VCV003390822.2).